The following is an entry in ClinVar:

NM_001690.4(ATP6V1A):c.734C>A (p.Thr245Asn)

Gene: ATP6V1A (ATPase H+ transporting V1 subunit A; plus strand). Cytogenetic location: 3q13.31.
Variant type: single nucleotide variant.
Coding change: c.734C>A on transcript NM_001690.4 (MANE Select); coding-DNA position 734, C replaced by A.
Protein change: p.Thr245Asn; replaces threonine 245 with asparagine.
Molecular consequence: missense variant.
Genome position (GRCh38, 1-based): chr3:113,788,730, C>A. VCF-style: chr3-113788730-C-A. GRCh37 (hg19) VCF-style: chr3-113507577-C-A.
Other names: short protein forms T245N.
Identifiers: ClinVar variation 3376059 (VCV003376059.1).

ClinVar aggregate classification (germline): Uncertain significance (1 of 4 stars; one submission).

Submission:

GeneDx
Classification: Uncertain significance. Last evaluated: 2024-05-07. Review status: criteria provided, single submitter. Criteria: GeneDx Variant Classification Process June 2021. Collection method: clinical testing. Allele origin: germline. Affected: yes.
Comment: Not observed at significant frequency in large population cohorts (gnomAD); In silico analysis supports that this missense variant has a deleterious effect on protein structure/function; Has not been previously published as pathogenic or benign to our knowledge